The following is an entry in ClinVar:

ClinVar aggregate classification (germline): Uncertain significance (1 of 4 stars; one submission).

Conditions:
Mosaic variegated aneuploidy syndrome 2 (MVA2). Identifiers: Orphanet 1052, MedGen C3279843, MONDO:0013582, OMIM 614114.

Allele frequency attached by ClinVar (database versions not stated): gnomAD exomes below 0.00001; ExAC 0.00001.
gnomAD v4.1: 1 of 1,612,600 alleles (0.000062%); highest among the groups gnomAD compares: East Asian, 0.0022%; no homozygotes.

Submission:

Labcorp Genetics (formerly Invitae), Labcorp
Classification: Uncertain significance for Mosaic variegated aneuploidy syndrome 2. Last evaluated: 2025-04-07. Review status: criteria provided, single submitter. Criteria: Invitae Variant Classification Sherloc (09022015). Collection method: clinical testing. Allele origin: germline.
Comment: This sequence change falls in intron 4 of the CEP57 gene. It does not directly change the encoded amino acid sequence of the CEP57 protein. It affects a nucleotide within the consensus splice site. This variant is present in population databases (rs780780494, gnomAD 0.01%). This variant has not been reported in the literature in individuals affected with CEP57-related conditions. ClinVar contains an entry for this variant (Variation ID: 2077977). Variants that disrupt the consensus splice site are a relatively common cause of aberrant splicing (PMID: 17576681, 9536098). Algorithms developed to predict the effect of sequence changes on RNA splicing suggest that this variant is not likely to affect RNA splicing. In summary, the available evidence is currently insufficient to determine the role of this variant in disease. Therefore, it has been classified as a Variant of Uncertain Significance.

Literature cited by the submitters: PubMed 17576681; PubMed 9536098.

NM_014679.5(CEP57):c.504+3A>G

Gene: CEP57 (centrosomal protein 57; plus strand). Cytogenetic location: 11q21.
Variant type: single nucleotide variant.
Coding change: c.504+3A>G on transcript NM_014679.5 (MANE Select); 3 bases into the intron after coding-DNA position 504, A replaced by G.
Molecular consequence: intron variant.
Genome position (GRCh38, 1-based): chr11:95,813,592, A>G. VCF-style: chr11-95813592-A-G. GRCh37 (hg19) VCF-style: chr11-95546756-A-G.
Other names: c.423+3A>G (NM_001363604.2); c.477+3A>G (NM_001243776.2); c.504+3A>G (NM_001243777.2).
Identifiers: ClinVar variation 2077977 (VCV002077977.4), dbSNP rs780780494, ClinGen allele CA6239488.
Genomic context (GRCh38, chr11:95,813,592, plus strand): 5'-CATGCGAAATATGATAAAGCATGCCGAAATGGAGAGGACATCTGTCTTAGAGAAACAAGT[A>G]AGTAAAGCACCTCACAGATTGATACTCAAGAACAGTTATGGGGAAAACTAATTGAATAAA-3'